The following is an entry in ClinVar:

NM_005477.3(HCN4):c.2258C>T (p.Ala753Val)

Gene: HCN4 (hyperpolarization activated cyclic nucleotide gated potassium channel 4; minus strand). Cytogenetic location: 15q24.1.
Variant type: single nucleotide variant.
Coding change: c.2258C>T on transcript NM_005477.3 (MANE Select); coding-DNA position 2258, C replaced by T.
Protein change: p.Ala753Val; replaces alanine 753 with valine.
Molecular consequence: missense variant.
Genome position (GRCh38, 1-based): chr15:73,323,835, G>A on the plus strand (C>T on the coding strand, the complement: HCN4 is on the minus strand). VCF-style: chr15-73323835-G-A. GRCh37 (hg19) VCF-style: chr15-73616176-G-A.
Other names: short protein forms A753V.
Identifiers: ClinVar variation 2894877 (VCV002894877.3), dbSNP rs1480069560, ClinGen allele CA393089239.
Genomic context (GRCh38, chr15:73,323,835, plus strand): 5'-ATGACGGGCGTGGGGGTTGGGGTGGCAGAGGCAGCAGCCTGGACGCGGTGCGCGCAGTGG[G>A]CCATCTCCCGGTCATGCTGCACAATCTGCTGGATGATCTCATTCTCCTGGTAGTTGAAGA-3'
Protein context (NP_005468.1, residues 743-763): QQIVQHDREM[Ala753Val]HCAHRVQAAA

ClinVar aggregate classification (germline): Uncertain significance (1 of 4 stars; one submission).

Conditions:
Brugada syndrome 8 (BRGDA8). Identifiers: Orphanet 130, MedGen C2751083, MONDO:0013148, OMIM 613123.

Allele frequency attached by ClinVar (database versions not stated): gnomAD exomes below 0.00001; TOPMed below 0.00001.
gnomAD v4.1: 2 of 1,605,656 alleles (0.00012%); highest among the groups gnomAD compares: Non-Finnish European, 0.00017%; no homozygotes.

Submission:

Labcorp Genetics (formerly Invitae), Labcorp
Classification: Uncertain significance for Brugada syndrome 8. Last evaluated: 2024-02-08. Review status: criteria provided, single submitter. Criteria: Invitae Variant Classification Sherloc (09022015). Collection method: clinical testing. Allele origin: germline.
Comment: This sequence change replaces alanine, which is neutral and non-polar, with valine, which is neutral and non-polar, at codon 753 of the HCN4 protein (p.Ala753Val). This variant is not present in population databases (gnomAD no frequency). This variant has not been reported in the literature in individuals affected with HCN4-related conditions. Advanced modeling of protein sequence and biophysical properties (such as structural, functional, and spatial information, amino acid conservation, physicochemical variation, residue mobility, and thermodynamic stability) performed at Invitae indicates that this missense variant is not expected to disrupt HCN4 protein function with a negative predictive value of 80%. In summary, the available evidence is currently insufficient to determine the role of this variant in disease. Therefore, it has been classified as a Variant of Uncertain Significance.